The following is an entry in ClinVar:

NM_000143.4(FH):c.739-200G>A

Gene: FH (fumarate hydratase; minus strand). Cytogenetic location: 1q43.
Variant type: single nucleotide variant.
Coding change: c.739-200G>A on transcript NM_000143.4 (MANE Select); 200 bases into the intron before coding-DNA position 739, G replaced by A.
Molecular consequence: intron variant.
Genome position (GRCh38, 1-based): chr1:241,506,368, C>T on the plus strand (G>A on the coding strand, the complement: FH is on the minus strand). VCF-style: chr1-241506368-C-T. GRCh37 (hg19) VCF-style: chr1-241669668-C-T.
Identifiers: ClinVar variation 676928 (VCV000676928.1), dbSNP rs137943762, ClinGen allele CA15116352.
Genomic context (GRCh38, chr1:241,506,368, plus strand): 5'-TTCAAATCTTATGATGAGCAAAGTATAGGGAAGGATGAGGGTTTATAGAACCATAAGGTA[C>T]GACAATGCCACTGATAACATGCAGCCTATTTATTATAATCTAGTCTTTTAATAGGAAGCA-3'

ClinVar aggregate classification (germline): Likely benign (1 of 4 stars; one submission).

Allele frequency attached by ClinVar (database versions not stated): TOPMed 0.01285; 1000 Genomes Project 30x 0.01452; 1000 Genomes Project 0.01538.
gnomAD v4.1: 2,622 of 152,134 alleles (1.7%); highest among the groups gnomAD compares: South Asian, 3.1%; 46 homozygotes.

Submission:

GeneDx
Classification: Likely benign. Last evaluated: 2018-06-20. Review status: criteria provided, single submitter. Criteria: GeneDx Variant Classification (06012015). Collection method: clinical testing. Allele origin: germline. Affected: yes.
Comment: This variant is considered likely benign or benign based on one or more of the following criteria: it is a conservative change, it occurs at a poorly conserved position in the protein, it is predicted to be benign by multiple in silico algorithms, and/or has population frequency not consistent with disease.